The following is an entry in ClinVar:

ClinVar aggregate classification (germline): Uncertain significance (1 of 4 stars; one submission).

Conditions:
Inborn genetic diseases. Identifiers: MedGen C0950123, MeSH D030342.

Submission:

Ambry Genetics
Classification: Uncertain significance for Inborn genetic diseases. Last evaluated: 2025-05-28. Review status: criteria provided, single submitter. Criteria: Ambry Variant Classification Scheme 2023. Collection method: clinical testing. Allele origin: germline.
Comment: The p.M739T variant (also known as c.2216T>C), located in coding exon 19 of the KDM1A gene, results from a T to C substitution at nucleotide position 2216. The methionine at codon 739 is replaced by threonine, an amino acid with similar properties. This amino acid position is conserved. In addition, this alteration is predicted to be deleterious by in silico analysis. Based on the available evidence, the clinical significance of this variant remains unclear.

NM_001009999.3(KDM1A):c.2216T>C (p.Met739Thr)

Gene: KDM1A (lysine demethylase 1A; plus strand). Cytogenetic location: 1p36.12.
Variant type: single nucleotide variant.
Coding change: c.2216T>C on transcript NM_001009999.3 (MANE Select); coding-DNA position 2216, T replaced by C.
Protein change: p.Met739Thr; replaces methionine 739 with threonine.
Molecular consequence: missense variant.
Genome position (GRCh38, 1-based): chr1:23,081,491, T>C. VCF-style: chr1-23081491-T-C. GRCh37 (hg19) VCF-style: chr1-23407984-T-C.
Other names: c.2162T>C, p.Met721Thr (NM_001363654.2); c.2222T>C, p.Met741Thr (NM_001410762.1); c.2144T>C, p.Met715Thr (NM_001410763.1, NM_015013.4); short protein forms M739T, M715T, M741T, M721T.
Identifiers: ClinVar variation 4042160 (VCV004042160.1).